The following is an entry in ClinVar:

NM_001374736.1(DST):c.2543A>G (p.His848Arg)

Gene: DST (dystonin; minus strand). Cytogenetic location: 6p12.1.
Variant type: single nucleotide variant.
Coding change: c.2543A>G on transcript NM_001374736.1 (MANE Select); coding-DNA position 2543, A replaced by G.
Protein change: p.His848Arg; replaces histidine 848 with arginine.
Molecular consequence: missense variant.
Genome position (GRCh38, 1-based): chr6:56,640,005, T>C on the plus strand (A>G on the coding strand, the complement: DST is on the minus strand). VCF-style: chr6-56640005-T-C. GRCh37 (hg19) VCF-style: chr6-56504803-T-C.
Other names: c.2444A>G, p.His815Arg (NM_001144769.5); c.2030A>G, p.His677Arg (NM_001144770.2); c.2543A>G, p.His848Arg (NM_001374722.1); c.1910A>G, p.His637Arg (NM_001374729.1, NM_001374730.1, NM_001386100.1 and 1 more transcripts); c.2570A>G, p.His857Arg (NM_001374734.1); c.932A>G, p.His311Arg (NM_001723.7, NM_015548.5); short protein forms H677R, H857R, H815R, H637R, H848R, H311R.
Identifiers: ClinVar variation 2945880 (VCV002945880.3), dbSNP rs2098874979, ClinGen allele CA364578080.

ClinVar aggregate classification (germline): Uncertain significance (1 of 4 stars; one submission).

Conditions:
Hereditary sensory and autonomic neuropathy type 6. Also called: HSAN VI; Neuropathy, hereditary sensory and autonomic, type VI. Identifiers: Orphanet 314381, MedGen C3539003, MONDO:0013839, OMIM 614653.
Epidermolysis bullosa simplex 3, localized or generalized intermediate, with BP230 deficiency (EBS3). Also called: Epidermolysis bullosa simplex due to BP230 deficiency; Epidermolysis bullosa simplex, autosomal recessive 2. Identifiers: Orphanet 412181, MedGen C3809470, MONDO:0014180, OMIM 615425.

Submission:

Labcorp Genetics (formerly Invitae), Labcorp
Classification: Uncertain significance for Epidermolysis bullosa simplex 3, localized or generalized intermediate, with BP230 deficiency; Hereditary sensory and autonomic neuropathy type 6. Last evaluated: 2023-06-16. Review status: criteria provided, single submitter. Criteria: Invitae Variant Classification Sherloc (09022015). Collection method: clinical testing. Allele origin: germline.
Comment: This sequence change replaces histidine, which is basic and polar, with arginine, which is basic and polar, at codon 311 of the DST protein (p.His311Arg). This variant is not present in population databases (gnomAD no frequency). This variant has not been reported in the literature in individuals affected with DST-related conditions. An algorithm developed to predict the effect of missense changes on protein structure and function (PolyPhen-2) suggests that this variant is likely to be disruptive. In summary, the available evidence is currently insufficient to determine the role of this variant in disease. Therefore, it has been classified as a Variant of Uncertain Significance.